The following is an entry in ClinVar:

ClinVar aggregate classification (germline): Pathogenic/Likely pathogenic. Review status: criteria provided, multiple submitters, no conflicts (2 of 4 stars). 3 submissions from 3 submitters: Pathogenic (2); Likely pathogenic (1). Last evaluated 2025-08-22.

Conditions:
HCN2 related developmental and epileptic encephalopathy.
Neurodevelopmental delay. Identifiers: MedGen C4022738, HP:0012758.

Submissions (3):

GeneDx
Classification: Pathogenic. Last evaluated: 2025-08-22. Review status: criteria provided, single submitter. Criteria: GeneDx Variant Classification Process June 2021. Collection method: clinical testing. Allele origin: germline. Affected: yes.
Comment: Observed de novo in multiple unrelated patients with clinical features consistent with HCN2-related epilepsy and neurodevelopmental spectrum disorder in the published literature (PMID: 40468825, 37853563); Not observed at significant frequency in large population cohorts (gnomAD); In-frame deletion of 1 amino acid(s) in a non-repeat region; In silico analysis supports a deleterious effect on protein structure/function; This variant is associated with the following publications: (PMID: 37853563, 40468825)

Department of Genetics, CHU d'Angers
Classification: Pathogenic for HCN2 related developmental and epileptic encephalopathy. Last evaluated: 2024-02-07. Review status: criteria provided, single submitter. Criteria: ACMG Guidelines, 2015. Collection method: research. Allele origin: de novo. Affected: yes.

Duke University Health System Sequencing Clinic, Duke University Health System
Classification: Likely pathogenic for Neurodevelopmental delay. Last evaluated: 2023-04-20. Review status: criteria provided, single submitter. Criteria: ACMG Guidelines, 2015. Collection method: research. Allele origin: de novo. Affected: yes.

NM_001194.4(HCN2):c.1432_1434del (p.Glu478del)

Gene: HCN2 (hyperpolarization activated cyclic nucleotide gated potassium and sodium channel 2; plus strand). Cytogenetic location: 19p13.3.
Variant type: Deletion.
Coding change: c.1432_1434del on transcript NM_001194.4 (MANE Select); coding-DNA positions 1432 to 1434, 3 bases deleted (GAG; older notation c.1432_1434delGAG).
Protein change: p.Glu478del; deletes glutamic acid 478.
Molecular consequence: inframe deletion.
Genome position (GRCh38, 1-based): chr19:608,177-608,179, GAG deleted; deleting any 3 consecutive bases within chr19:608,175-608,179 gives the same sequence; the c. name uses the placement nearest the transcript's 3' end. VCF-style (leftmost placement, unchanged base first): chr19-608174-CAGG-C. GRCh37 (hg19) VCF-style: chr19-608174-CAGG-C.
Other names: c.1432_1434delGAG (NM_001194.3); short protein forms E478del.
Identifiers: ClinVar variation 1315325 (VCV001315325.6), dbSNP rs2144522815, ClinGen allele CA2573054836.